The following is an entry in ClinVar:

NM_003922.4(HERC1):c.4138A>G (p.Met1380Val)

Gene: HERC1 (HECT and RLD domain containing E3 ubiquitin protein ligase family member 1; minus strand). Cytogenetic location: 15q22.31.
Variant type: single nucleotide variant.
Coding change: c.4138A>G on transcript NM_003922.4 (MANE Select); coding-DNA position 4138, A replaced by G.
Protein change: p.Met1380Val; replaces methionine 1380 with valine.
Molecular consequence: missense variant.
Genome position (GRCh38, 1-based): chr15:63,716,314, T>C on the plus strand (A>G on the coding strand, the complement: HERC1 is on the minus strand). VCF-style: chr15-63716314-T-C. GRCh37 (hg19) VCF-style: chr15-64008513-T-C.
Other names: c.4138A>G (NM_003922.3); short protein forms M1380V.
Identifiers: ClinVar variation 2066201 (VCV002066201.5), dbSNP rs776892256, ClinGen allele CA7605873.

ClinVar aggregate classification (germline): Uncertain significance. Review status: criteria provided, multiple submitters, no conflicts (2 of 4 stars). 3 submissions from 3 submitters: Uncertain significance (3). Last evaluated 2026-05-07.

Conditions:
Inborn genetic diseases. Identifiers: MedGen C0950123, MeSH D030342.

Allele frequency attached by ClinVar (database versions not stated): gnomAD 0.00001; ExAC 0.00002; gnomAD exomes 0.00002; TOPMed 0.00002.

Submissions (3):

GeneDx
Classification: Uncertain significance. Last evaluated: 2026-05-07. Review status: criteria provided, single submitter. Criteria: GeneDx Variant Classification Process June 2021. Collection method: clinical testing. Allele origin: germline.
Comment: Not observed at significant frequency in large population cohorts (gnomAD); In silico analysis suggests that this missense variant does not alter protein structure/function; Has not been previously published as pathogenic or benign to our knowledge

Labcorp Genetics (formerly Invitae), Labcorp
Classification: Uncertain significance. Last evaluated: 2025-07-06. Review status: criteria provided, single submitter. Criteria: Invitae Variant Classification Sherloc (09022015). Collection method: clinical testing. Allele origin: germline.
Comment: This sequence change replaces methionine, which is neutral and non-polar, with valine, which is neutral and non-polar, at codon 1380 of the HERC1 protein (p.Met1380Val). This variant is present in population databases (rs776892256, gnomAD 0.009%). This variant has not been reported in the literature in individuals affected with HERC1-related conditions. ClinVar contains an entry for this variant (Variation ID: 2066201). Invitae Evidence Modeling of protein sequence and biophysical properties (such as structural, functional, and spatial information, amino acid conservation, physicochemical variation, residue mobility, and thermodynamic stability) indicates that this missense variant is not expected to disrupt HERC1 protein function with a negative predictive value of 80%. In summary, the available evidence is currently insufficient to determine the role of this variant in disease. Therefore, it has been classified as a Variant of Uncertain Significance.

Ambry Genetics
Classification: Uncertain significance for Inborn genetic diseases. Last evaluated: 2023-12-07. Review status: criteria provided, single submitter. Criteria: Ambry Variant Classification Scheme 2023. Collection method: clinical testing. Allele origin: germline.